The following is an entry in ClinVar:

ClinVar aggregate classification (germline): Pathogenic (1 of 4 stars; one submission).

Conditions:
Nemaline myopathy 5 (NEM5A). Also called: NEMALINE MYOPATHY 5A, AUTOSOMAL RECESSIVE, SEVERE INFANTILE; Nemaline myopathy 5, Amish type; NEMALINE MYOPATHY, AMISH TYPE. Identifiers: Orphanet 98902, MedGen C1854380, MONDO:0011539, OMIM 605355.

Submission:

Labcorp Genetics (formerly Invitae), Labcorp
Classification: Pathogenic for Nemaline myopathy 5. Last evaluated: 2018-11-15. Review status: criteria provided, single submitter. Criteria: Invitae Variant Classification Sherloc (09022015). Collection method: clinical testing. Allele origin: germline.
Comment: This variant is a gross deletion of the genomic region encompassing exons 2-9 of the TNNT1 gene, which includes the initiator codon. The 5' end of this event is unknown as it extends beyond the assayed region for this gene and therefore may encompass additional genes. The 3' boundary is likely confined to intron 9 of the TNNT1 gene. This is expected to result in an absent or disrupted protein product. This variant has not been reported in the literature in individuals with TNNT1-related disease. Loss-of-function variants in TNNT1 are known to be pathogenic (PMID: 10952871, 24689076, 25430424). For these reasons, this variant has been classified as Pathogenic.

NC_000019.10:g.(?_55140873)_(55147167_?)del

Genes: TNNT1 (troponin T1, slow skeletal type; minus strand), LOC130065089 (ATAC-STARR-seq lymphoblastoid active region 15077; plus strand). Cytogenetic location: 19q13.42.
Variant type: Deletion.
Identifiers: ClinVar variation 660688 (VCV000660688.1).